The following is an entry in ClinVar:

NM_000382.3(ALDH3A2):c.103del (p.Gln35fs)

Gene: ALDH3A2 (aldehyde dehydrogenase 3 family member A2; plus strand). Cytogenetic location: 17p11.2.
Variant type: Deletion.
Coding change: c.103del on transcript NM_000382.3 (MANE Select); coding-DNA position 103, one base deleted (C; older notation c.103delC).
Protein change: p.Gln35fs; shifts the reading frame from glutamine 35.
Molecular consequence: frameshift variant. On other transcripts: 5 prime UTR variant (1).
Genome position (GRCh38, 1-based): chr17:19,649,074, C deleted. VCF-style (leftmost placement, unchanged base first): chr17-19649073-GC-G. GRCh37 (hg19) VCF-style: chr17-19552386-GC-G.
Other names: c.103del, p.Gln35fs (NM_001031806.2, NM_001369136.1, NM_001369137.2 and 3 more transcripts); c.-586del (NM_001369148.2); short protein forms Q35fs.
Identifiers: ClinVar variation 1027597 (VCV001027597.1), dbSNP rs756687932, ClinGen allele CA8442718.
Genomic context (GRCh38, chr17:19,649,073, plus strand): 5'-CGGCCGGTCGCGACCTCTGCGGTTTCGGCTGCAGCAGCTGGAGGCCCTGCGGAGGATGGT[GC>G]AGGAGCGCGAGAAGGATATCCTGACGGCCATCGCCGCCGACCTGTGCAAGGTACGCACGC-3'

ClinVar aggregate classification (germline): Likely pathogenic (1 of 4 stars; one submission).

Conditions:
Sjögren-Larsson syndrome (SLS). Also called: ICHTHYOSIS, SPASTIC NEUROLOGIC DISORDER, AND OLIGOPHRENIA; FALDH DEFICIENCY; FATTY ALCOHOL:NAD+ OXIDOREDUCTASE DEFICIENCY; FATTY ALDEHYDE DEHYDROGENASE DEFICIENCY. Identifiers: Orphanet 816, MedGen C0037231, MONDO:0010031, OMIM 270200.

Allele frequency attached by ClinVar (database versions not stated): gnomAD exomes 0.00001; ExAC 0.00010.

Submission:

Women's Health and Genetics/Laboratory Corporation of America, LabCorp
Classification: Likely pathogenic for Sjögren-Larsson syndrome. Last evaluated: 2021-03-01. Review status: criteria provided, single submitter. Criteria: LabCorp Variant Classification Summary - May 2015. Collection method: clinical testing. Allele origin: germline.
Comment: Variant summary: ALDH3A2 c.103delC (p.Gln35ArgfsX8) results in a premature termination codon, predicted to cause a truncation of the encoded protein or absence of the protein due to nonsense mediated decay, which are commonly known mechanisms for disease. Truncations downstream of this position have been classified as pathogenic by our laboratory. The variant allele was found at a frequency of 1.5e-05 in 194872 control chromosomes (gnomAD), exclusively reported in the Swedish subpopulation (i.e. 3/14430 alleles). c.103delC has been reported in the literature in individuals affected with Sjogren-Larsson Syndrome (Sillen_1998, Ganemo_2009). These data indicate that the variant is likely associated with disease. To our knowledge, no experimental evidence demonstrating an impact on protein function has been reported. No clinical diagnostic laboratories have submitted clinical-significance assessments for this variant to ClinVar after 2014. Based on the evidence outlined above, the variant was classified as likely pathogenic.

Literature cited by the submitters: PubMed 15931689; PubMed 9829906; PubMed 25855245; PubMed 19197545.